The following is an entry in ClinVar:

ClinVar aggregate classification (germline): Pathogenic. Review status: reviewed by expert panel (3 of 4 stars). 4 submissions from 4 submitters: Pathogenic (1). 3 of the submissions do not count toward it. Last evaluated 2016-10-18.

Conditions:
Hereditary breast ovarian cancer syndrome. Also called: Hereditary breast and ovarian cancer; Hereditary breast and ovarian cancer syndrome (HBOC); Hereditary breast and/or ovarian cancer syndrome; Breast and ovarian cancer; Hereditary breast and ovarian cancer syndrome; BRCA1- and BRCA2-Associated Hereditary Breast and Ovarian Cancer. Identifiers: Orphanet 145, MedGen C0677776, MeSH D061325, MONDO:0003582. Disease mechanism: loss of function.
Breast-ovarian cancer, familial, susceptibility to, 2 (BROVCA2). Also called: BRCA2 Hereditary Breast and Ovarian Cancer. Identifiers: Orphanet 145, MedGen C2675520, MONDO:0012933, OMIM 612555. Disease mechanism: loss of function.

Submissions (4):

Evidence-based Network for the Interpretation of Germline Mutant Alleles (ENIGMA)
Classification: Pathogenic for Breast-ovarian cancer, familial, susceptibility to, 2. Last evaluated: 2016-10-18. Review status: reviewed by expert panel. Criteria: ENIGMA BRCA1/2 Classification Criteria (2015). Collection method: curation. Allele origin: germline.
Comment: Variant allele predicted to encode a truncated non-functional protein.

Women's Health and Genetics/Laboratory Corporation of America, LabCorp
Classification: Pathogenic for Hereditary breast and ovarian cancer syndrome. Last evaluated: 2020-11-19. Review status: criteria provided, single submitter. Criteria: LabCorp Variant Classification Summary - May 2015. Collection method: clinical testing. Allele origin: germline. Not counted in ClinVar's aggregate classification.
Comment: Variant summary: BRCA2 c.4306_4307delAT (p.Ile1436X) results in a premature termination codon, predicted to cause a truncation of the encoded protein or absence of the protein due to nonsense mediated decay, which are commonly known mechanisms for disease. Truncations downstream of this position have been classified as pathogenic by our laboratory. The variant was absent in 243698 control chromosomes (gnomAD). c.4306_4307delAT has been reported in the literature in individuals affected with breast cancer and/or ovarian cancer (Torres-Mejia_2014, Rebbeck_2018). These data indicate that the variant is likely to be associated with disease. To our knowledge, no experimental evidence demonstrating an impact on protein function has been reported. Two ClinVar submitters (evaluation after 2014) cite the variant as pathogenic, including one expert panel (ENIGMA). Based on the evidence outlined above, the variant was classified as pathogenic.

Labcorp Genetics (formerly Invitae), Labcorp
Classification: Pathogenic for Hereditary breast ovarian cancer syndrome. Last evaluated: 2020-09-26. Review status: criteria provided, single submitter. Criteria: Invitae Variant Classification Sherloc (09022015). Collection method: clinical testing. Allele origin: germline. Not counted in ClinVar's aggregate classification.
Comment: This sequence change creates a premature translational stop signal (p.Ile1436*) in the BRCA2 gene. It is expected to result in an absent or disrupted protein product. This variant is not present in population databases (ExAC no frequency). This variant has been observed in individual(s) with breast cancer (PMID: 25371446). This variant is also known as 4534delAT. ClinVar contains an entry for this variant (Variation ID: 266803). Loss-of-function variants in BRCA2 are known to be pathogenic (PMID: 20104584). For these reasons, this variant has been classified as Pathogenic.

Consortium of Investigators of Modifiers of BRCA1/2 (CIMBA), c/o University of Cambridge
Classification: Pathogenic for Breast-ovarian cancer, familial, susceptibility to, 2. Last evaluated: 2015-10-02. Review status: criteria provided, single submitter. Criteria: CIMBA Mutation Classification guidelines May 2016. Collection method: clinical testing. Allele origin: germline. Not counted in ClinVar's aggregate classification.

Literature cited by the submitters: PubMed 25371446 (cited by Women's Health and Genetics/Laboratory Corporation of America, LabCorp and Labcorp Genetics (formerly Invitae), Labcorp); PubMed 29446198 (cited by Women's Health and Genetics/Laboratory Corporation of America, LabCorp); PubMed 28985766 (cited by Women's Health and Genetics/Laboratory Corporation of America, LabCorp); PubMed 20104584 (cited by Labcorp Genetics (formerly Invitae), Labcorp).

NM_000059.4(BRCA2):c.4306_4307del (p.Asn1435_Ile1436insTer)

Gene: BRCA2 (BRCA2 DNA repair associated; plus strand). Cytogenetic location: 13q13.1.
Variant type: Microsatellite.
Coding change: c.4306_4307del on transcript NM_000059.4 (MANE Select); coding-DNA positions 4306 to 4307, 2 bases deleted (AT; older notation c.4306_4307delAT).
Protein change: p.Asn1435_Ile1436insTer.
Molecular consequence: nonsense.
Genome position (GRCh38, 1-based): chr13:32,338,661-32,338,662, AT deleted; deleting any 2 consecutive bases within chr13:32,338,659-32,338,662 gives the same sequence; the c. name uses the placement nearest the transcript's 3' end. VCF-style (leftmost placement, unchanged base first): chr13-32338658-AAT-A. GRCh37 (hg19) VCF-style: chr13-32912795-AAT-A.
Other names: 4534_4535delAT; c.4306_4307del (NM_000059.3).
Identifiers: ClinVar variation 266803 (VCV000266803.15), dbSNP rs886040522, ClinGen allele CA10589252.
Genomic context (GRCh38, chr13:32,338,658, plus strand): 5'-GAGCAAAATATAAAAGATTTTGAGACTTCTGATACATTTTTTCAGACTGCAAGTGGGAAA[AAT>A]ATTAGTGTCGCCAAAGAGTCATTTAATAAAATTGTAAATTTCTTTGATCAGAAACCAGAA-3'